The following is an entry in ClinVar:

NM_001018115.3(FANCD2):c.310A>G (p.Ile104Val)

Genes: FANCD2 (FA complementation group D2; plus strand), LOC107303338 (3p25 FANCD2 Alu-mediated recombination region; plus strand). Cytogenetic location: 3p25.3.
Variant type: single nucleotide variant.
Coding change: c.310A>G on transcript NM_001018115.3 (MANE Select); coding-DNA position 310, A replaced by G.
Protein change: p.Ile104Val; replaces isoleucine 104 with valine.
Molecular consequence: missense variant.
Genome position (GRCh38, 1-based): chr3:10,034,731, A>G. VCF-style: chr3-10034731-A-G. GRCh37 (hg19) VCF-style: chr3-10076415-A-G.
Other names: c.310A>G, p.Ile104Val (NM_001319984.2, NM_001374253.1, NM_001374254.1 and 2 more transcripts); short protein forms I104V.
Identifiers: ClinVar variation 407781 (VCV000407781.10), dbSNP rs774299094, ClinGen allele CA2249177.

ClinVar aggregate classification (germline): Conflicting classifications of pathogenicity. Review status: criteria provided, conflicting classifications (1 of 4 stars). 3 submissions from 3 submitters: Uncertain significance (2); Likely benign (1). Last evaluated 2024-03-19.

Conditions:
Fanconi anemia (FA). Also called: Fanconi's anemia. Identifiers: Orphanet 84, MedGen C0015625, MeSH D005199, MONDO:0019391.
Inborn genetic diseases. Identifiers: MedGen C0950123, MeSH D030342.
Fanconi anemia complementation group D2. Also called: FANCD2-Related Fanconi Anemia; FANCONI PANCYTOPENIA, TYPE 4; FANCONI ANEMIA, COMPLEMENTATION GROUP D. Identifiers: Orphanet 84, MedGen C3160738, MONDO:0009214, OMIM 227646.

Allele frequency attached by ClinVar (database versions not stated): ExAC below 0.00001; gnomAD exomes below 0.00001 and 0.00002; TOPMed below 0.00001.
gnomAD v4.1: 5 of 1,572,516 alleles (0.00032%); highest among the groups gnomAD compares: East Asian, 0.0046%; no homozygotes.

Submissions (3):

Ambry Genetics
Classification: Likely benign for Inborn genetic diseases. Last evaluated: 2024-03-19. Review status: criteria provided, single submitter. Criteria: Ambry Variant Classification Scheme 2023. Collection method: clinical testing. Allele origin: germline.

Fulgent Genetics
Classification: Uncertain significance for Fanconi anemia complementation group D2. Last evaluated: 2018-10-31. Review status: criteria provided, single submitter. Criteria: ACMG Guidelines, 2015. Collection method: clinical testing. Allele origin: unknown.

Labcorp Genetics (formerly Invitae), Labcorp
Classification: Uncertain significance for Fanconi anemia. Last evaluated: 2016-11-22. Review status: criteria provided, single submitter. Criteria: Invitae Variant Classification Sherloc (09022015). Collection method: clinical testing. Allele origin: germline.
Comment: Algorithms developed to predict the effect of missense changes on protein structure and function output the following: (SIFT: "Tolerated"; PolyPhen-2: "Benign"; Align-GVGD: "Class C0"). The valine amino acid residue is found in multiple mammalian species, suggesting that this missense change does not adversely affect protein function. These predictions have not been confirmed by published functional studies. In summary, this variant is a novel missense change that is not predicted to affect protein function. There is no indication that it causes disease, but the available evidence is currently insufficient to prove that conclusively. Therefore, it has been classified as a Variant of Uncertain Significance. The frequency data for this variant (rs774299094) in the population databases is unreliable, as metrics indicate poor quality at this position in the ExAC database. This variant has not been reported in the literature in an individual with a FANCD2-related disease. This sequence change replaces isoleucine with valine at codon 104 of the FANCD2 protein (p.Ile104Val). The isoleucine residue is moderately conserved and there is a small physicochemical difference between isoleucine and valine.